The following is an entry in ClinVar:

ClinVar aggregate classification (germline): Benign/Likely benign. Review status: criteria provided, multiple submitters, no conflicts (2 of 4 stars). 7 submissions from 7 submitters: Benign (3); Likely benign (3). 1 of the submissions does not count toward it. Last evaluated 2025-10-20.

Conditions:
MEF2C-related disorder. Also called: MEF2C-related condition; MEF2C-related disorders. Identifiers: MedGen CN381096.
Inborn genetic diseases. Identifiers: MedGen C0950123, MeSH D030342.
Neurodevelopmental disorder with hypotonia, stereotypic hand movements, and impaired language. Also called: Intellectual disability, autosomal dominant 20. Identifiers: Orphanet 228384, Orphanet 664410, MedGen C3150700, MONDO:0013266, OMIM 613443.

Allele frequency attached by ClinVar (database versions not stated): gnomAD 0.00011 and 0.00019; TOPMed 0.00028; gnomAD exomes 0.00046; ExAC 0.00058; 1000 Genomes Project 0.00100; 1000 Genomes Project 30x 0.00109.
gnomAD v4.1: 379 of 1,606,346 alleles (0.024%); highest among the groups gnomAD compares: East Asian, 0.73%; 3 homozygotes.

Submissions (7):

Labcorp Genetics (formerly Invitae), Labcorp
Classification: Benign for Neurodevelopmental disorder with hypotonia, stereotypic hand movements, and impaired language. Last evaluated: 2025-10-20. Review status: criteria provided, single submitter. Criteria: Invitae Variant Classification Sherloc (09022015). Collection method: clinical testing. Allele origin: germline.

CeGaT Center for Human Genetics Tuebingen
Classification: Likely benign. Last evaluated: 2024-12-01. Review status: criteria provided, single submitter. Criteria: CeGaT Center For Human Genetics Tuebingen Variant Classification Criteria Version 2. Collection method: clinical testing. Allele origin: germline. Affected: yes. Observed: 1 variant allele.
Comment: MEF2C: BP4, BP7, BS1

Blueprint Genetics
Classification: Likely benign. Last evaluated: 2024-10-04. Review status: criteria provided, single submitter. Criteria: ACMG Guidelines, 2015. Collection method: clinical testing. Allele origin: germline.

Ambry Genetics
Classification: Likely benign for Inborn genetic diseases. Last evaluated: 2018-12-29. Review status: criteria provided, single submitter. Criteria: Ambry Variant Classification Scheme 2023. Collection method: clinical testing. Allele origin: germline.

Genetic Services Laboratory, University of Chicago
Classification: Benign. Last evaluated: 2015-08-10. Review status: criteria provided, single submitter. Criteria: ACMG Guidelines, 2015. Collection method: clinical testing. Allele origin: germline.

GeneDx
Classification: Benign. Last evaluated: 2014-05-16. Review status: criteria provided, single submitter. Criteria: GeneDx Variant Classification (06012015). Collection method: clinical testing. Allele origin: germline. Affected: yes.
Comment: This variant is considered likely benign or benign based on one or more of the following criteria: it is a conservative change, it occurs at a poorly conserved position in the protein, it is predicted to be benign by multiple in silico algorithms, and/or has population frequency not consistent with disease.

PreventionGenetics, part of Exact Sciences
Classification: Benign for MEF2C-related condition. Last evaluated: 2019-10-28. Review status: no assertion criteria provided. Collection method: clinical testing. Allele origin: germline. Not counted in ClinVar's aggregate classification.
Comment: This variant is classified as benign based on ACMG/AMP sequence variant interpretation guidelines (Richards et al. 2015 PMID: 25741868, with internal and published modifications).

NM_002397.5(MEF2C):c.642C>T (p.Asn214=)

Gene: MEF2C (myocyte enhancer factor 2C; minus strand). Cytogenetic location: 5q14.3.
Variant type: single nucleotide variant.
Coding change: c.642C>T on transcript NM_002397.5 (MANE Select); coding-DNA position 642, C replaced by T.
Protein change: p.Asn214=; no amino-acid change (asparagine 214 retained).
Molecular consequence: synonymous variant.
Genome position (GRCh38, 1-based): chr5:88,731,897, G>A on the plus strand (C>T on the coding strand, the complement: MEF2C is on the minus strand). VCF-style: chr5-88731897-G-A. GRCh37 (hg19) VCF-style: chr5-88027714-G-A.
Other names: p.N214N:AAC>AAT; c.636C>T, p.Asn212= (NM_001131005.2, NM_001364343.2, NM_001364352.2); c.696C>T, p.Asn232= (NM_001193347.1, NM_001364338.2); c.498C>T, p.Asn166= (NM_001193348.1, NM_001193349.3, NM_001364332.2 and 3 more transcripts); c.642C>T, p.Asn214= (NM_001193350.2, NM_001308002.3, NM_001363581.2 and 18 more transcripts); c.264C>T, p.Asn88= (NM_001364353.2, NM_001364356.2); c.216C>T, p.Asn72= (NM_001364357.2).
Identifiers: ClinVar variation 138203 (VCV000138203.33), dbSNP rs79455305, ClinGen allele CA292047.